The following is an entry in ClinVar:

NM_005670.4(EPM2A):c.155T>G (p.Leu52Arg)

Genes: EPM2A (EPM2A glucan phosphatase, laforin; minus strand), EPM2A-DT (EPM2A divergent transcript; plus strand), LOC129997381 (ATAC-STARR-seq lymphoblastoid silent region 17642; plus strand). Cytogenetic location: 6q24.3.
Variant type: single nucleotide variant.
Coding change: c.155T>G on transcript NM_005670.4 (MANE Select); coding-DNA position 155, T replaced by G.
Protein change: p.Leu52Arg; replaces leucine 52 with arginine.
Molecular consequence: missense variant. On other transcripts: 5 prime UTR variant (3), intron variant (1).
Genome position (GRCh38, 1-based): chr6:145,735,344, A>C on the plus strand (T>G on the coding strand, the complement: EPM2A is on the minus strand). VCF-style: chr6-145735344-A-C. GRCh37 (hg19) VCF-style: chr6-146056480-A-C.
Other names: c.155T>G, p.Leu52Arg (NM_001018041.2, NM_001360057.2, NM_001368130.1); c.-515T>G (NM_001360071.2); c.-469T>G (NM_001368129.2); c.-213T>G (NM_001368131.1); c.-114+564T>G (NM_001360064.2); short protein forms L52R.
Identifiers: ClinVar variation 2002221 (VCV002002221.4), dbSNP rs1160717420, ClinGen allele CA366188187.
Genomic context (GRCh38, chr6:145,735,344, plus strand): 5'-GCCGCCTCCTCGGCCGCCAGCTCCACCTCCCCGAGCCACAGGCCCGGCTCCTGCAGGGCC[A>C]GGGCCCCGTCGCCCGCCGCGGTGCCGGCCGGCCTCAGGCGGACGGCACCGCGCGGCTCCC-3'
Protein context (NP_005661.1, residues 42-62): PAGTAAGDGA[Leu52Arg]ALQEPGLWLG

ClinVar aggregate classification (germline): Uncertain significance (1 of 4 stars; one submission).

Conditions:
Progressive myoclonic epilepsy. Also called: Familial progressive myoclonic epilepsy; Progressive myoclonus epilepsy; Myoclonic Epilepsies, Progressive; Myoclonus epilepsy. Identifiers: Orphanet 308, Orphanet 98261, MedGen C0751778, MONDO:0020074.

Allele frequency attached by ClinVar (database versions not stated): TOPMed 0.00001.
gnomAD v4.1: 2 of 1,201,516 alleles (0.00017%); highest among the groups gnomAD compares: Non-Finnish European, 0.00011%; no homozygotes.

Submission:

Labcorp Genetics (formerly Invitae), Labcorp
Classification: Uncertain significance for Progressive myoclonic epilepsy. Last evaluated: 2022-06-23. Review status: criteria provided, single submitter. Criteria: Invitae Variant Classification Sherloc (09022015). Collection method: clinical testing. Allele origin: germline.
Comment: This variant is not present in population databases (gnomAD no frequency). This sequence change replaces leucine, which is neutral and non-polar, with arginine, which is basic and polar, at codon 52 of the EPM2A protein (p.Leu52Arg). This variant has not been reported in the literature in individuals affected with EPM2A-related conditions. In summary, the available evidence is currently insufficient to determine the role of this variant in disease. Therefore, it has been classified as a Variant of Uncertain Significance. Algorithms developed to predict the effect of missense changes on protein structure and function output the following: SIFT: "Deleterious"; PolyPhen-2: "Benign"; Align-GVGD: "Class C0". The arginine amino acid residue is found in multiple mammalian species, which suggests that this missense change does not adversely affect protein function.